The following is an entry in ClinVar:

NM_152419.3(HGSNAT):c.119-5A>C

Gene: HGSNAT (heparan-alpha-glucosaminide N-acetyltransferase; plus strand). Cytogenetic location: 8p11.21.
Variant type: single nucleotide variant.
Coding change: c.119-5A>C on transcript NM_152419.3 (MANE Select); 5 bases into the intron before coding-DNA position 119, A replaced by C.
Molecular consequence: intron variant.
Genome position (GRCh38, 1-based): chr8:43,146,943, A>C. VCF-style: chr8-43146943-A-C. GRCh37 (hg19) VCF-style: chr8-43002086-A-C.
Other names: c.119-5A>C (NM_001363227.2, NM_001363228.2); c.-715-5A>C (NM_001363229.2).
Identifiers: ClinVar variation 4983090 (VCV004983090.1).
Genomic context (GRCh38, chr8:43,146,943, plus strand): 5'-TTGTCTCTAACACATCTTTCGGGTGCCTTTTTTTTTTTTTTTTAACTTTTCCTAATTTCT[A>C]CCAGACTTAGACAAAAAAAGACATGCAGAGCTGAAGATGGATCAGGCTTTGCTACTCATC-3'

ClinVar aggregate classification (germline): Likely benign (1 of 4 stars; one submission).

Conditions:
HGSNAT-related disorder. Also called: HGSNAT-related condition.

Submission:

PreventionGenetics, part of Exact Sciences
Classification: Likely benign for HGSNAT-related condition. Last evaluated: 2024-10-29. Review status: criteria provided, single submitter. Criteria: ACMG Guidelines, 2015. Collection method: clinical testing. Allele origin: germline.
Comment: This variant is classified as likely benign based on ACMG/AMP sequence variant interpretation guidelines (Richards et al. 2015 PMID: 25741868, with internal and published modifications).